The following is an entry in ClinVar:

NM_018344.6(SLC29A3):c.1346C>G (p.Thr449Arg)

Gene: SLC29A3 (solute carrier family 29 member 3; plus strand). Cytogenetic location: 10q22.1.
Variant type: single nucleotide variant.
Coding change: c.1346C>G on transcript NM_018344.6 (MANE Select); coding-DNA position 1346, C replaced by G.
Protein change: p.Thr449Arg; replaces threonine 449 with arginine.
Molecular consequence: missense variant. On other transcripts: 3 prime UTR variant (1), non-coding transcript variant (2).
Genome position (GRCh38, 1-based): chr10:71,362,526, C>G. VCF-style: chr10-71362526-C-G. GRCh37 (hg19) VCF-style: chr10-73122283-C-G.
Other names: c.*575C>G (NM_001174098.2); c.1112C>G, p.Thr371Arg (NM_001363518.2); c.1346C>G (NM_018344.5); short protein forms T449R, T371R.
Identifiers: ClinVar variation 569 (VCV000000569.3), dbSNP rs267607058, ClinGen allele CA114354.

ClinVar aggregate classification (germline): Pathogenic/Likely pathogenic. Review status: criteria provided, multiple submitters, no conflicts (2 of 4 stars). 3 submissions from 3 submitters: Pathogenic (1); Likely pathogenic (1). 1 of the submissions does not count toward it. Last evaluated 2024-10-21.

Conditions:
SLC29A3-related disorder. Also called: SLC29A3-related condition.
H syndrome. Also called: Asrar Facharzt Haque syndrome; HISTIOCYTOSIS AND LYMPHADENOPATHY WITH OR WITHOUT CUTANEOUS, CARDIAC, AND/OR ENDOCRINE FEATURES, JOINT CONTRACTURES, AND/OR DEAFNESS; HYPERPIGMENTATION, CUTANEOUS, WITH HYPERTRICHOSIS, HEPATOSPLENOMEGALY, HEART ANOMALIES, AND HYPOGONADISM WITH OR WITHOUT HEARING LOSS; PIGMENTED HYPERTRICHOSIS WITH INSULIN-DEPENDENT DIABETES MELLITUS; ROSAI-DORFMAN DISEASE, FAMILIAL; SINUS HISTIOCYTOSIS AND MASSIVE LYMPHADENOPATHY. Identifiers: Orphanet 168569, MedGen C1864445, MONDO:0011273, OMIM 602782.

gnomAD v4.1: 6 of 1,614,146 alleles (0.00037%); highest among the groups gnomAD compares: South Asian, 0.0066%; no homozygotes.

Submissions (3):

Blueprint Genetics
Classification: Likely pathogenic for SLC29A3-related disorders. Last evaluated: 2024-10-21. Review status: criteria provided, single submitter. Criteria: ACMG Guidelines, 2015. Collection method: clinical testing. Allele origin: germline. Affected: yes. Observed: 2 variant alleles.

PreventionGenetics, part of Exact Sciences
Classification: Pathogenic for SLC29A3-related condition. Last evaluated: 2023-08-08. Review status: criteria provided, single submitter. Criteria: ACMG Guidelines, 2015. Collection method: clinical testing. Allele origin: germline.
Comment: The SLC29A3 c.1346C>G variant is predicted to result in the amino acid substitution p.Thr449Arg. This variant has been reported in the homozygous state in individuals with pigmented hypertrichosis dermatosis with insulin-dependent diabetes (Cliffe et al. 2009. PubMed ID: 19336477; Campeau et al. 2012. PubMed ID: 22875837). Functional studies have also shown that this variant impacts protein function (Cliffe et al. 2009. PubMed ID: 19336477; Kang et al. 2010. PubMed ID: 20595384). This variant is reported in 0.013% of alleles in individuals of South Asian descent in gnomAD. This variant is interpreted as pathogenic.

OMIM
Classification: Pathogenic for HISTIOCYTOSIS-LYMPHADENOPATHY PLUS SYNDROME. Last evaluated: 2012-11-15. Review status: no assertion criteria provided. Collection method: literature only. Allele origin: germline. Not counted in ClinVar's aggregate classification.

Literature cited by the submitters: PubMed 19175903 (cited by OMIM); PubMed 19336477 (cited by OMIM); PubMed 20595384 (cited by OMIM); PubMed 22875837 (cited by OMIM).